The following is an entry in ClinVar:

NM_006297.3(XRCC1):c.209_233dup (p.Glu81fs)

Gene: XRCC1 (X-ray repair cross complementing 1; minus strand). Cytogenetic location: 19q13.31.
Variant type: Duplication.
Coding change: c.209_233dup on transcript NM_006297.3 (MANE Select); coding-DNA positions 209 to 233, 25 bases duplicated (TGCTGGTGGGCAGTTCAGCTGGAGG).
Protein change: p.Glu81fs; shifts the reading frame from glutamic acid 81.
Molecular consequence: frameshift variant.
Genome position (GRCh38, 1-based): chr19:43,560,932-43,560,956, CCTCCAGCTGAACTGCCCACCAGCA duplicated on the plus strand (TGCTGGTGGGCAGTTCAGCTGGAGG on the coding strand, the reverse complement: XRCC1 is on the minus strand); duplicating any 25 consecutive bases within chr19:43,560,932-43,560,962 gives the same sequence; the c. name uses the placement nearest the transcript's 3' end. VCF-style (leftmost placement, unchanged base first): chr19-43560931-G-GCCTCCAGCTGAACTGCCCACCAGCA. GRCh37 (hg19) VCF-style: chr19-44065083-G-GCCTCCAGCTGAACTGCCCACCAGCA.
Other names: short protein forms E81fs.
Identifiers: ClinVar variation 3068604 (VCV003068604.1), dbSNP rs2513655971, ClinGen allele CA2573051204.

ClinVar aggregate classification (germline): Uncertain significance (1 of 4 stars; one submission).

Conditions:
Spinocerebellar ataxia, autosomal recessive 26. Identifiers: MedGen C4539948, MONDO:0033116, OMIM 617633.

Submission:

Molecular Genetics, Royal Melbourne Hospital
Classification: Uncertain significance for Spinocerebellar ataxia, autosomal recessive 26. Last evaluated: 2023-03-30. Review status: criteria provided, single submitter. Criteria: ACMG Guidelines, 2015. Collection method: clinical testing. Allele origin: germline.
Comment: This sequence change in XRCC1 is a frameshift variant predicted to cause a premature stop codon, p.(Glu81Glyfs*13), in biologically-relevant-exon 4/17 leading to nonsense mediated decay in a gene in which there is emerging evidence that loss-of-function is an established disease mechanism (PMID: 28002403, 29472272). This variant is absent from gnomAD v2.1 and v3.1. To our knowledge, this variant has not been reported in the literature in any individuals with XRCC1-related disease. Based on the classification scheme RMH Modified ACMG Guidelines v1.5.1, this variant is classified as a VARIANT OF UNCERTAIN SIGNIFICANCE. Following criteria are met: PVS1_Strong, PM2_Supporting.

Literature cited by the submitters: PubMed 28002403; PubMed 29472272.